The following is an entry in ClinVar:

NM_001999.4(FBN2):c.7690C>G (p.Gln2564Glu)

Gene: FBN2 (fibrillin 2; minus strand). Cytogenetic location: 5q23.3.
Variant type: single nucleotide variant.
Coding change: c.7690C>G on transcript NM_001999.4 (MANE Select); coding-DNA position 7690, C replaced by G.
Protein change: p.Gln2564Glu; replaces glutamine 2564 with glutamic acid.
Molecular consequence: missense variant.
Genome position (GRCh38, 1-based): chr5:128,274,588, G>C on the plus strand (C>G on the coding strand, the complement: FBN2 is on the minus strand). VCF-style: chr5-128274588-G-C. GRCh37 (hg19) VCF-style: chr5-127610280-G-C.
Other names: short protein forms Q2564E.
Identifiers: ClinVar variation 213364 (VCV000213364.27), dbSNP rs373970388, ClinGen allele CA323011.

ClinVar aggregate classification (germline): Conflicting classifications of pathogenicity. Review status: criteria provided, conflicting classifications (1 of 4 stars). 9 submissions from 8 submitters: Uncertain significance (2); Benign (2); Likely benign (4). 1 of the submissions does not count toward it. Last evaluated 2026-01-26.

Conditions:
FBN2-related disorder. Also called: FBN2-related condition.
Macular degeneration, early-onset (EOMD). Identifiers: MedGen C4015286, MONDO:0014501, OMIM 616118.
Congenital contractural arachnodactyly (CCA). Also called: BEALS SYNDROME; Beals-Hecht syndrome; Arthrogryposis, distal, type 9. Identifiers: Orphanet 115, MedGen C0220668, MONDO:0007363, OMIM 121050.
Connective tissue disorder. Also called: Connective tissue disease. Identifiers: MedGen C0009782, MONDO:0003900.
Ehlers-Danlos syndrome (EDS). Identifiers: Orphanet 98249, MedGen C0013720, MONDO:0020066.
Familial thoracic aortic aneurysm and aortic dissection (TAAD). Also called: Thoracic aortic aneurysms and dissections. Identifiers: Orphanet 91387, MedGen C4707243, MONDO:0019625.

Allele frequency attached by ClinVar (database versions not stated): TOPMed 0.00005; gnomAD 0.00006 and 0.00015; ESP Exome Variant Server 0.00008; gnomAD exomes 0.00017 and 0.00034; ExAC 0.00037; 1000 Genomes Project 30x 0.00062.
gnomAD v4.1: 273 of 1,606,534 alleles (0.017%); highest among the groups gnomAD compares: South Asian, 0.23%; no homozygotes.

Submissions (9):

Labcorp Genetics (formerly Invitae), Labcorp
Classification: Likely benign for Congenital contractural arachnodactyly. Last evaluated: 2026-01-26. Review status: criteria provided, single submitter. Criteria: Invitae Variant Classification Sherloc (09022015). Collection method: clinical testing. Allele origin: germline.

Blueprint Genetics
Classification: Likely benign. Last evaluated: 2024-08-30. Review status: criteria provided, single submitter. Criteria: ACMG Guidelines, 2015. Collection method: clinical testing. Allele origin: germline.

Department of Pathology and Laboratory Medicine, Sinai Health System
Classification: Uncertain significance for Congenital contractural arachnodactyly; Macular degeneration, early-onset. Last evaluated: 2022-12-06. Review status: criteria provided, single submitter. Criteria: ACMG Guidelines, 2015. Collection method: research. Allele origin: germline.

Genome Diagnostics Laboratory, The Hospital for Sick Children
Classification: Benign for Ehlers-Danlos syndrome. Last evaluated: 2021-09-29. Review status: criteria provided, single submitter. Criteria: ACMG Guidelines, 2015. Collection method: clinical testing. Allele origin: germline.

Genome Diagnostics Laboratory, The Hospital for Sick Children
Classification: Benign for Connective tissue disorder. Last evaluated: 2021-09-29. Review status: criteria provided, single submitter. Criteria: ACMG Guidelines, 2015. Collection method: clinical testing. Allele origin: germline.

Ambry Genetics
Classification: Uncertain significance for Familial thoracic aortic aneurysm and aortic dissection. Last evaluated: 2021-07-02. Review status: criteria provided, single submitter. Criteria: Ambry Variant Classification Scheme 2023. Collection method: clinical testing. Allele origin: germline.
Comment: The p.Q2564E variant (also known as c.7690C>G), located in coding exon 60 of the FBN2 gene, results from a C to G substitution at nucleotide position 7690, and is located in the cbEGF-like #41 domain. This alteration has been reported in association with strabismus (An JY et al. Genes (Basel), 2021 Jan;12:). The glutamine at codon 2564 is replaced by glutamic acid, an amino acid with highly similar properties. This amino acid position is highly conserved in available vertebrate species. In addition, the in silico prediction for this alteration is inconclusive. Since supporting evidence is limited at this time, the clinical significance of this alteration remains unclear.

GeneDx
Classification: Likely benign. Last evaluated: 2020-10-30. Review status: criteria provided, single submitter. Criteria: GeneDx Variant Classification Process June 2021. Collection method: clinical testing. Allele origin: germline. Affected: yes.
Comment: Has not been previously published as pathogenic or benign to our knowledge; Although located in a calcium-binding EGF-like domain of the FBN2 gene, it does not affect a cysteine residue within this domain; cysteine substitutions in the calcium-binding EGF-like domains represent the majority of pathogenic missense changes associated with FBN2-related disorders (Collod-Beroud et al., 2003; Frederic et al., 2009).; Reported in ClinVar as likely benign by one other laboratory, but additional evidence is not available (ClinVar Variant ID# 213364; Landrum et al., 2016)

Breakthrough Genomics
Classification: Likely benign. Review status: criteria provided, single submitter. Criteria: ACMG Guidelines, 2015. Collection method: not provided. Allele origin: germline. Inheritance: Autosomal dominant inheritance. Affected: yes.

PreventionGenetics, part of Exact Sciences
Classification: Likely benign for FBN2-related condition. Last evaluated: 2020-01-13. Review status: no assertion criteria provided. Collection method: clinical testing. Allele origin: germline. Not counted in ClinVar's aggregate classification.
Comment: This variant is classified as likely benign based on ACMG/AMP sequence variant interpretation guidelines (Richards et al. 2015 PMID: 25741868, with internal and published modifications).

Literature cited by the submitters: PubMed 33435129 (cited by Ambry Genetics).